The following is an entry in ClinVar:

NM_020778.5(ALPK3):c.4406T>C (p.Ile1469Thr)

Gene: ALPK3 (alpha kinase 3; plus strand). Cytogenetic location: 15q25.3.
Variant type: single nucleotide variant.
Coding change: c.4406T>C on transcript NM_020778.5 (MANE Select); coding-DNA position 4406, T replaced by C.
Protein change: p.Ile1469Thr; replaces isoleucine 1469 with threonine.
Molecular consequence: missense variant.
Genome position (GRCh38, 1-based): chr15:84,862,911, T>C. VCF-style: chr15-84862911-T-C. GRCh37 (hg19) VCF-style: chr15-85406142-T-C.
Other names: c.5012T>C (NM_020778.4); short protein forms I1469T.
Identifiers: ClinVar variation 2970009 (VCV002970009.4), dbSNP rs991828802, ClinGen allele CA273631526.

ClinVar aggregate classification (germline): Conflicting classifications of pathogenicity. Review status: criteria provided, conflicting classifications (1 of 4 stars). 2 submissions from 2 submitters: Uncertain significance (1); Likely benign (1). Last evaluated 2024-09-11.

Conditions:
Cardiovascular phenotype. Identifiers: MedGen CN230736.

Allele frequency attached by ClinVar (database versions not stated): TOPMed below 0.00001; gnomAD 0.00001; gnomAD exomes 0.00001.
gnomAD v4.1: 8 of 1,613,040 alleles (0.0005%); highest among the groups gnomAD compares: African/African-American, 0.0027%; no homozygotes.

Submissions (2):

Ambry Genetics
Classification: Likely benign for Cardiovascular phenotype. Last evaluated: 2024-09-11. Review status: criteria provided, single submitter. Criteria: Ambry Variant Classification Scheme 2023. Collection method: clinical testing. Allele origin: germline.

Labcorp Genetics (formerly Invitae), Labcorp
Classification: Uncertain significance. Last evaluated: 2024-03-03. Review status: criteria provided, single submitter. Criteria: Invitae Variant Classification Sherloc (09022015). Collection method: clinical testing. Allele origin: germline.
Comment: This sequence change replaces isoleucine, which is neutral and non-polar, with threonine, which is neutral and polar, at codon 1671 of the ALPK3 protein (p.Ile1671Thr). This variant is present in population databases (no rsID available, gnomAD 0.0009%). This variant has not been reported in the literature in individuals affected with ALPK3-related conditions. An algorithm developed to predict the effect of missense changes on protein structure and function (PolyPhen-2) suggests that this variant is likely to be disruptive. In summary, the available evidence is currently insufficient to determine the role of this variant in disease. Therefore, it has been classified as a Variant of Uncertain Significance.